The following is an entry in ClinVar:

NM_000081.4(LYST):c.7636G>A (p.Val2546Ile)

Gene: LYST (lysosomal trafficking regulator; minus strand). Cytogenetic location: 1q42.3.
Variant type: single nucleotide variant.
Coding change: c.7636G>A on transcript NM_000081.4 (MANE Select); coding-DNA position 7636, G replaced by A.
Protein change: p.Val2546Ile; replaces valine 2546 with isoleucine.
Molecular consequence: missense variant.
Genome position (GRCh38, 1-based): chr1:235,751,354, C>T on the plus strand (G>A on the coding strand, the complement: LYST is on the minus strand). VCF-style: chr1-235751354-C-T. GRCh37 (hg19) VCF-style: chr1-235914654-C-T.
Other names: c.7636G>A, p.Val2546Ile (NM_001301365.1); short protein forms V2546I.
Identifiers: ClinVar variation 1902602 (VCV001902602.6), dbSNP rs566777948, ClinGen allele CA1466089.

ClinVar aggregate classification (germline): Conflicting classifications of pathogenicity. Review status: criteria provided, conflicting classifications (1 of 4 stars). 3 submissions from 3 submitters: Uncertain significance (2); Likely benign (1). Last evaluated 2023-07-03.

Conditions:
Chédiak-Higashi syndrome (CHS). Also called: Chediak-Higashi Syndrome. Identifiers: Orphanet 167, MedGen C0007965, MONDO:0008963, OMIM 214500.

Allele frequency attached by ClinVar (database versions not stated): gnomAD exomes 0.00002; ExAC 0.00005; 1000 Genomes Project 0.00020; 1000 Genomes Project 30x 0.00031.
gnomAD v4.1: 35 of 1,613,250 alleles (0.0022%); highest among the groups gnomAD compares: South Asian, 0.029%; no homozygotes.

Submissions (3):

Blueprint Genetics
Classification: Likely benign. Last evaluated: 2023-07-03. Review status: criteria provided, single submitter. Criteria: ACMG Guidelines, 2015. Collection method: clinical testing. Allele origin: germline.

Labcorp Genetics (formerly Invitae), Labcorp
Classification: Uncertain significance for Chédiak-Higashi syndrome. Last evaluated: 2022-05-08. Review status: criteria provided, single submitter. Criteria: Invitae Variant Classification Sherloc (09022015). Collection method: clinical testing. Allele origin: germline.
Comment: This sequence change replaces valine, which is neutral and non-polar, with isoleucine, which is neutral and non-polar, at codon 2546 of the LYST protein (p.Val2546Ile). This variant is present in population databases (rs566777948, gnomAD 0.02%). This variant has not been reported in the literature in individuals affected with LYST-related conditions. Algorithms developed to predict the effect of missense changes on protein structure and function output the following: SIFT: "Tolerated"; PolyPhen-2: "Benign"; Align-GVGD: "Class C0". The isoleucine amino acid residue is found in multiple mammalian species, which suggests that this missense change does not adversely affect protein function. In summary, the available evidence is currently insufficient to determine the role of this variant in disease. Therefore, it has been classified as a Variant of Uncertain Significance.

Revvity Omics, Revvity
Classification: Uncertain significance for Chédiak-Higashi syndrome. Last evaluated: 2019-07-22. Review status: criteria provided, single submitter. Criteria: ACMG Guidelines, 2015. Collection method: clinical testing. Allele origin: germline.